The following is an entry in ClinVar:

ClinVar aggregate classification (germline): Uncertain significance (1 of 4 stars; one submission).

Submission:

Labcorp Genetics (formerly Invitae), Labcorp
Classification: Uncertain significance. Last evaluated: 2019-12-17. Review status: criteria provided, single submitter. Criteria: Invitae Variant Classification Sherloc (09022015). Collection method: clinical testing. Allele origin: germline.
Comment: In summary, the available evidence is currently insufficient to determine the role of this variant in disease. Therefore, it has been classified as a Variant of Uncertain Significance. Algorithms developed to predict the effect of missense changes on protein structure and function are either unavailable or do not agree on the potential impact of this missense change (SIFT: "Deleterious"; PolyPhen-2: "Probably Damaging"; Align-GVGD: "Class C0"). This variant has not been reported in the literature in individuals with SNRNP200-related conditions. This variant is not present in population databases (ExAC no frequency). This sequence change replaces valine with phenylalanine at codon 2051 of the SNRNP200 protein (p.Val2051Phe). The valine residue is highly conserved and there is a small physicochemical difference between valine and phenylalanine.

NM_014014.5(SNRNP200):c.6151G>T (p.Val2051Phe)

Gene: SNRNP200 (small nuclear ribonucleoprotein U5 subunit 200; minus strand). Cytogenetic location: 2q11.2.
Variant type: single nucleotide variant.
Coding change: c.6151G>T on transcript NM_014014.5 (MANE Select); coding-DNA position 6151, G replaced by T.
Protein change: p.Val2051Phe; replaces valine 2051 with phenylalanine.
Molecular consequence: missense variant.
Genome position (GRCh38, 1-based): chr2:96,276,927, C>A on the plus strand (G>T on the coding strand, the complement: SNRNP200 is on the minus strand). VCF-style: chr2-96276927-C-A. GRCh37 (hg19) VCF-style: chr2-96942665-C-A.
Other names: short protein forms V2051F.
Identifiers: ClinVar variation 861609 (VCV000861609.10), dbSNP rs1684675880, ClinGen allele CA347656348.